The following is an entry in ClinVar:

NM_001042472.3(ABHD12):c.557G>A (p.Arg186His)

Gene: ABHD12 (abhydrolase domain containing 12, lysophospholipase; minus strand). Cytogenetic location: 20p11.21.
Variant type: single nucleotide variant.
Coding change: c.557G>A on transcript NM_001042472.3 (MANE Select); coding-DNA position 557, G replaced by A.
Protein change: p.Arg186His; replaces arginine 186 with histidine.
Molecular consequence: missense variant.
Genome position (GRCh38, 1-based): chr20:25,317,064, C>T on the plus strand (G>A on the coding strand, the complement: ABHD12 is on the minus strand). VCF-style: chr20-25317064-C-T. GRCh37 (hg19) VCF-style: chr20-25297700-C-T.
Other names: c.557G>A, p.Arg186His (NM_015600.5); short protein forms R186H.
Identifiers: ClinVar variation 4874621 (VCV004874621.3).

ClinVar aggregate classification (germline): Uncertain significance. Review status: criteria provided, multiple submitters, no conflicts (2 of 4 stars). 2 submissions from 2 submitters: Uncertain significance (2). Last evaluated 2026-04-01.

gnomAD v4.1: 27 of 1,612,594 alleles (0.0017%); highest among the groups gnomAD compares: Non-Finnish European, 0.002%; no homozygotes.

Submissions (2):

CeGaT Center for Human Genetics Tuebingen
Classification: Uncertain significance. Last evaluated: 2026-04-01. Review status: criteria provided, single submitter. Criteria: CeGaT Center For Human Genetics Tuebingen Variant Classification Criteria Version 2. Collection method: clinical testing. Allele origin: germline. Affected: yes. Observed: 1 variant allele.
Comment: ABHD12: PM2

Blueprint Genetics
Classification: Uncertain significance. Last evaluated: 2022-06-08. Review status: criteria provided, single submitter. Criteria: ACMG Guidelines, 2015. Collection method: clinical testing. Allele origin: germline.